The following is an entry in ClinVar:

ClinVar aggregate classification (germline): Uncertain significance (1 of 4 stars; one submission).

Conditions:
Bardet-Biedl syndrome (BBS). Identifiers: Orphanet 110, MedGen C0752166, MONDO:0015229.

Submission:

Labcorp Genetics (formerly Invitae), Labcorp
Classification: Uncertain significance for Bardet-Biedl syndrome. Last evaluated: 2022-06-20. Review status: criteria provided, single submitter. Criteria: Invitae Variant Classification Sherloc (09022015). Collection method: clinical testing. Allele origin: germline.
Comment: In summary, the available evidence is currently insufficient to determine the role of this variant in disease. Therefore, it has been classified as a Variant of Uncertain Significance. Experimental studies and prediction algorithms are not available or were not evaluated, and the functional significance of this variant is currently unknown. This variant has not been reported in the literature in individuals affected with TTC8-related conditions. This variant is a gross deletion of the genomic region encompassing exon(s) 8-9 of the TTC8 gene. This variant would be expected to be in-frame, preserving the integrity of the reading frame.

NC_000014.8:g.(?_89319295)_(89323641_?)del

Gene: TTC8 (tetratricopeptide repeat domain 8; plus strand). Cytogenetic location: 14q31.3.
Variant type: Deletion.
Identifiers: ClinVar variation 1000796 (VCV001000796.6).